The following is an entry in ClinVar:

ClinVar aggregate classification (germline): Uncertain significance (1 of 4 stars; one submission).

Conditions:
DiGeorge syndrome. Also called: THIRD AND FOURTH PHARYNGEAL POUCH SYNDROME; Catch22. Identifiers: Orphanet 567, MedGen C0012236, MONDO:0008564, OMIM 188400.

Submission:

Labcorp Genetics (formerly Invitae), Labcorp
Classification: Uncertain significance for DiGeorge syndrome. Last evaluated: 2021-04-29. Review status: criteria provided, single submitter. Criteria: Invitae Variant Classification Sherloc (09022015). Collection method: clinical testing. Allele origin: germline.
Comment: Algorithms developed to predict the effect of missense changes on protein structure and function are either unavailable or do not agree on the potential impact of this missense change (SIFT: "Deleterious"; PolyPhen-2: "Probably Damaging"; Align-GVGD: "Class C0"). In summary, the available evidence is currently insufficient to determine the role of this variant in disease. Therefore, it has been classified as a Variant of Uncertain Significance. Algorithms developed to predict the effect of sequence changes on RNA splicing suggest that this variant may create or strengthen a splice site, but this prediction has not been confirmed by published transcriptional studies. This variant has not been reported in the literature in individuals with TBX1-related conditions. This variant is not present in population databases (ExAC no frequency). This sequence change replaces threonine with serine at codon 274 of the TBX1 protein (p.Thr274Ser). The threonine residue is highly conserved and there is a small physicochemical difference between threonine and serine.

NM_001379200.1(TBX1):c.848C>G (p.Thr283Ser)

Gene: TBX1 (T-box transcription factor 1; plus strand). Cytogenetic location: 22q11.21.
Variant type: single nucleotide variant.
Coding change: c.848C>G on transcript NM_001379200.1 (MANE Select); coding-DNA position 848, C replaced by G.
Protein change: p.Thr283Ser; replaces threonine 283 with serine.
Molecular consequence: missense variant.
Genome position (GRCh38, 1-based): chr22:19,765,094, C>G. VCF-style: chr22-19765094-C-G. GRCh37 (hg19) VCF-style: chr22-19752617-C-G.
Other names: c.821C>G, p.Thr274Ser (NM_005992.1, NM_080646.2, NM_080647.1); short protein forms T283S, T274S.
Identifiers: ClinVar variation 1349890 (VCV001349890.8), dbSNP rs2145835312, ClinGen allele CA410683521.